The following is an entry in ClinVar:

NM_006214.4(PHYH):c.700C>T (p.His234Tyr)

Gene: PHYH (phytanoyl-CoA 2-hydroxylase; minus strand). Cytogenetic location: 10p13.
Variant type: single nucleotide variant.
Coding change: c.700C>T on transcript NM_006214.4 (MANE Select); coding-DNA position 700, C replaced by T.
Protein change: p.His234Tyr; replaces histidine 234 with tyrosine.
Molecular consequence: missense variant.
Genome position (GRCh38, 1-based): chr10:13,283,818, G>A on the plus strand (C>T on the coding strand, the complement: PHYH is on the minus strand). VCF-style: chr10-13283818-G-A. GRCh37 (hg19) VCF-style: chr10-13325818-G-A.
Other names: c.400C>T, p.His134Tyr (NM_001037537.2, NM_001323080.2); c.706C>T, p.His236Tyr (NM_001323082.2); c.436C>T, p.His146Tyr (NM_001323083.2); c.406C>T, p.His136Tyr (NM_001323084.2); short protein forms H136Y, H134Y, H146Y, H236Y, H234Y.
Identifiers: ClinVar variation 2062395 (VCV002062395.4), dbSNP rs780743090, ClinGen allele CA5412254.
Genomic context (GRCh38, chr10:13,283,818, plus strand): 5'-CGCCCTTCTCCATCACCAGGTGCACCCGGGCCTTGTTTTCCTCGTAGTCCTGGATCCCGT[G>A]GAACATTTTGTTAACTCCCCCCTAGAACAAGAGGCAAGTGAAGTCTACATTTGAGGGAGT-3'
Protein context (NP_006205.1, residues 224-244): KWEGGVNKMF[His234Tyr]GIQDYEENKA

ClinVar aggregate classification (germline): Uncertain significance (1 of 4 stars; one submission).

Allele frequency attached by ClinVar (database versions not stated): ExAC 0.00001; gnomAD 0.00001.
gnomAD v4.1: 1 of 1,613,742 alleles (0.000062%); highest among the groups gnomAD compares: Non-Finnish European, 0.000085%; no homozygotes.

Submission:

Labcorp Genetics (formerly Invitae), Labcorp
Classification: Uncertain significance. Last evaluated: 2024-02-24. Review status: criteria provided, single submitter. Criteria: Invitae Variant Classification Sherloc (09022015). Collection method: clinical testing. Allele origin: germline.
Comment: This sequence change replaces histidine, which is basic and polar, with tyrosine, which is neutral and polar, at codon 234 of the PHYH protein (p.His234Tyr). This variant is present in population databases (rs780743090, gnomAD 0.003%). This variant has not been reported in the literature in individuals affected with PHYH-related conditions. ClinVar contains an entry for this variant (Variation ID: 2062395). Advanced modeling of protein sequence and biophysical properties (such as structural, functional, and spatial information, amino acid conservation, physicochemical variation, residue mobility, and thermodynamic stability) performed at Invitae indicates that this missense variant is not expected to disrupt PHYH protein function with a negative predictive value of 80%. In summary, the available evidence is currently insufficient to determine the role of this variant in disease. Therefore, it has been classified as a Variant of Uncertain Significance.